The following is an entry in ClinVar:

ClinVar aggregate classification (germline): Benign. Review status: criteria provided, multiple submitters, no conflicts (2 of 4 stars). 5 submissions from 5 submitters: Benign (5). Last evaluated 2021-07-01.

Conditions:
Wilson disease (WND). Also called: Wilson's disease. Identifiers: Orphanet 905, MedGen C0019202, MONDO:0010200, OMIM 277900. Disease mechanism: loss of function.

Allele frequency attached by ClinVar (database versions not stated): 1000 Genomes Project 0.53175; 1000 Genomes Project 30x 0.54138; ExAC 0.56071; TOPMed 0.56329; gnomAD 0.56412 and 0.56559; gnomAD exomes 0.56632; ESP Exome Variant Server 0.57281.
gnomAD v4.1: 902,941 of 1,565,232 alleles (58%); highest among the groups gnomAD compares: Middle Eastern, 63%; 262,397 homozygotes.

Submissions (5):

Genome-Nilou Lab
Classification: Benign for Wilson disease. Last evaluated: 2021-07-01. Review status: criteria provided, single submitter. Criteria: ACMG Guidelines, 2015. Collection method: clinical testing. Allele origin: germline. Affected: no.

GeneDx
Classification: Benign. Last evaluated: 2018-06-14. Review status: criteria provided, single submitter. Criteria: GeneDx Variant Classification (06012015). Collection method: clinical testing. Allele origin: germline. Affected: yes.
Comment: This variant is considered likely benign or benign based on one or more of the following criteria: it is a conservative change, it occurs at a poorly conserved position in the protein, it is predicted to be benign by multiple in silico algorithms, and/or has population frequency not consistent with disease.

ARUP Laboratories, Molecular Genetics and Genomics, ARUP Laboratories
Classification: Benign. Last evaluated: 2016-10-10. Review status: criteria provided, single submitter. Criteria: ARUP Molecular Germline Variant Investigation Process. Collection method: clinical testing. Allele origin: germline.

Breakthrough Genomics
Classification: Benign. Review status: criteria provided, single submitter. Criteria: ACMG Guidelines, 2015. Collection method: not provided. Allele origin: germline. Inheritance: Autosomal recessive inheritance. Affected: yes.

PreventionGenetics, part of Exact Sciences
Classification: Benign. Review status: criteria provided, single submitter. Criteria: ACMG Guidelines, 2015. Collection method: clinical testing. Allele origin: germline.

NM_000053.4(ATP7B):c.4021+50G>C

Gene: ATP7B (ATPase copper transporting beta; minus strand). Cytogenetic location: 13q14.3.
Variant type: single nucleotide variant.
Coding change: c.4021+50G>C on transcript NM_000053.4 (MANE Select); 50 bases into the intron after coding-DNA position 4021, G replaced by C.
Molecular consequence: intron variant.
Genome position (GRCh38, 1-based): chr13:51,937,226, C>G on the plus strand (G>C on the coding strand, the complement: ATP7B is on the minus strand). VCF-style: chr13-51937226-C-G. GRCh37 (hg19) VCF-style: chr13-52511362-C-G.
Other names: c.3688+50G>C (NM_001243182.2); c.3400+50G>C (NM_001005918.3); c.3769+50G>C (NM_001330579.2); c.3787+50G>C (NM_001330578.2).
Identifiers: ClinVar variation 254770 (VCV000254770.13), dbSNP rs9535795, ClinGen allele CA6988510.